The following is an entry in ClinVar:

NM_001267550.2(TTN):c.81414_81425del (p.Asp27138_Leu27141del)

Genes: TTN (titin; minus strand), TTN-AS1 (TTN antisense RNA 1; plus strand). Cytogenetic location: 2q31.2.
Variant type: Deletion.
Coding change: c.81414_81425del on transcript NM_001267550.2 (MANE Select); coding-DNA positions 81414 to 81425, 12 bases deleted (TGAGGGCCTTGA).
Protein change: p.Asp27138_Leu27141del.
Molecular consequence: inframe deletion.
Genome position (GRCh38, 1-based): chr2:178,564,707-178,564,718, TCAAGGCCCTCA deleted on the plus strand (TGAGGGCCTTGA on the coding strand, the reverse complement: TTN is on the minus strand); deleting any 12 consecutive bases within chr2:178,564,707-178,564,723 gives the same sequence; the c. name uses the placement nearest the transcript's 3' end. VCF-style (leftmost placement, unchanged base first): chr2-178564706-CTCAAGGCCCTCA-C. GRCh37 (hg19) VCF-style: chr2-179429433-CTCAAGGCCCTCA-C.
Other names: c.76491_76502del, p.Asp25497_Leu25500del (NM_001256850.1); c.54219_54230del, p.Asp18073_Leu18076del (NM_003319.4); c.73710_73721del, p.Asp24570_Leu24573del (NM_133378.4); c.54594_54605del, p.Asp18198_Leu18201del (NM_133432.3); c.54795_54806del, p.Asp18265_Leu18268del (NM_133437.4); c.54219_54230del12 (NM_003319.4).
Identifiers: ClinVar variation 1747445 (VCV001747445.26), dbSNP rs2468216979, ClinGen allele CA2580064782.
Genomic context (GRCh38, chr2:178,564,706, plus strand): 5'-TGACACTTTGCTAGGCTTGCCAATGCCAACAATATTTTCAGCAGAAACTTTGAACTCATA[CTCAAGGCCCTCA>C]TCAAGCCCAGTTGTTTTGAATTTGGTGTCCTGAATGGGGGTCTTATTTAACTTGACCCAT-3'

ClinVar aggregate classification (germline): Uncertain significance. Review status: criteria provided, multiple submitters, no conflicts (2 of 4 stars). 2 submissions from 2 submitters: Uncertain significance (2). Last evaluated 2022-09-01.

Conditions:
Cardiovascular phenotype. Identifiers: MedGen CN230736.

Submissions (2):

CeGaT Center for Human Genetics Tuebingen
Classification: Uncertain significance. Last evaluated: 2022-09-01. Review status: criteria provided, single submitter. Criteria: CeGaT Center For Human Genetics Tuebingen Variant Classification Criteria Version 2. Collection method: clinical testing. Allele origin: germline. Affected: yes. Observed: 1 variant allele.
Comment: TTN: PM2

Ambry Genetics
Classification: Uncertain significance for Cardiovascular phenotype. Last evaluated: 2022-06-13. Review status: criteria provided, single submitter. Criteria: Ambry Variant Classification Scheme 2023. Collection method: clinical testing. Allele origin: germline.
Comment: The c.54219_54230del12 variant (also known as p.D18073_L18076del) is located in coding exon 153 of the TTN gene. This variant results from an in-frame TGAGGGCCTTGA deletion at nucleotide positions 54219 to 54230. This results in the in-frame deletion of a at codon 18073. This amino acid position ranges from highly conserved to not well conserved in available vertebrate species. In addition, this alteration is predicted to be deleterious by in silico analysis (Choi Y et al. PLoS ONE. 2012; 7(10):e46688). This variant is considered to be rare based on population cohorts in the Genome Aggregation Database (gnomAD). Since supporting evidence is limited at this time, the clinical significance of this alteration remains unclear.